The following is an entry in ClinVar:

ClinVar aggregate classification (germline): Uncertain significance. Review status: criteria provided, multiple submitters, no conflicts (2 of 4 stars). 2 submissions from 2 submitters: Uncertain significance (2). Last evaluated 2024-12-03.

Conditions:
Inborn genetic diseases. Identifiers: MedGen C0950123, MeSH D030342.

Allele frequency attached by ClinVar (database versions not stated): ExAC 0.00004; gnomAD 0.00009; TOPMed 0.00009.
gnomAD v4.1: 29 of 1,613,886 alleles (0.0018%); highest among the groups gnomAD compares: Admixed American, 0.018%; no homozygotes.

Submissions (2):

Labcorp Genetics (formerly Invitae), Labcorp
Classification: Uncertain significance. Last evaluated: 2024-12-03. Review status: criteria provided, single submitter. Criteria: Invitae Variant Classification Sherloc (09022015). Collection method: clinical testing. Allele origin: germline.
Comment: This sequence change replaces valine, which is neutral and non-polar, with methionine, which is neutral and non-polar, at codon 347 of the CSF2RB protein (p.Val347Met). This variant is present in population databases (rs754047893, gnomAD 0.007%). This variant has not been reported in the literature in individuals affected with CSF2RB-related conditions. ClinVar contains an entry for this variant (Variation ID: 2168088). Invitae Evidence Modeling of protein sequence and biophysical properties (such as structural, functional, and spatial information, amino acid conservation, physicochemical variation, residue mobility, and thermodynamic stability) indicates that this missense variant is not expected to disrupt CSF2RB protein function with a negative predictive value of 80%. In summary, the available evidence is currently insufficient to determine the role of this variant in disease. Therefore, it has been classified as a Variant of Uncertain Significance.

Ambry Genetics
Classification: Uncertain significance for Inborn genetic diseases. Last evaluated: 2024-10-01. Review status: criteria provided, single submitter. Criteria: Ambry Variant Classification Scheme 2023. Collection method: clinical testing. Allele origin: germline.

NM_000395.3(CSF2RB):c.1039G>A (p.Val347Met)

Gene: CSF2RB (colony stimulating factor 2 receptor subunit beta; plus strand). Cytogenetic location: 22q12.3.
Variant type: single nucleotide variant.
Coding change: c.1039G>A on transcript NM_000395.3 (MANE Select); coding-DNA position 1039, G replaced by A.
Protein change: p.Val347Met; replaces valine 347 with methionine.
Molecular consequence: missense variant.
Genome position (GRCh38, 1-based): chr22:36,932,791, G>A. VCF-style: chr22-36932791-G-A. GRCh37 (hg19) VCF-style: chr22-37328833-G-A.
Other names: c.1039G>A (NM_000395.2); c.1057G>A, p.Val353Met (NM_001410827.1); short protein forms V347M, V353M.
Identifiers: ClinVar variation 2168088 (VCV002168088.5), dbSNP rs754047893, ClinGen allele CA10213679.
Genomic context (GRCh38, chr22:36,932,791, plus strand): 5'-ATGATGACTCTCCTGAAAGCTTCCCTCCCTCCAGTCCAGATGGCCCCTCCATCCCTCAAC[G>A]TGACCAAGGATGGAGACAGCTACAGCCTGCGCTGGGAAACAATGAAAATGCGATACGAAC-3'
Protein context (NP_000386.1, residues 337-357): NIQMAPPSLN[Val347Met]TKDGDSYSLR